The following is an entry in ClinVar:

NM_000368.5(TSC1):c.2612C>T (p.Ser871Leu)

Gene: TSC1 (TSC complex subunit 1; minus strand). Cytogenetic location: 9q34.13.
Variant type: single nucleotide variant.
Coding change: c.2612C>T on transcript NM_000368.5 (MANE Select); coding-DNA position 2612, C replaced by T.
Protein change: p.Ser871Leu; replaces serine 871 with leucine.
Molecular consequence: missense variant.
Genome position (GRCh38, 1-based): chr9:132,900,728, G>A on the plus strand (C>T on the coding strand, the complement: TSC1 is on the minus strand). VCF-style: chr9-132900728-G-A. GRCh37 (hg19) VCF-style: chr9-135776115-G-A.
Other names: c.2612C>T (NM_000368.4); c.2609C>T, p.Ser870Leu (NM_001162426.2); c.2459C>T, p.Ser820Leu (NM_001162427.2); c.2249C>T, p.Ser750Leu (NM_001362177.2); short protein forms S820L, S870L, S750L, S871L.
Identifiers: ClinVar variation 1044288 (VCV001044288.9), dbSNP rs1166302175, ClinGen allele CA375369865.

ClinVar aggregate classification (germline): Uncertain significance. Review status: criteria provided, multiple submitters, no conflicts (2 of 4 stars). 2 submissions from 2 submitters: Uncertain significance (2). Last evaluated 2026-07-23.

Conditions:
Tuberous sclerosis 1 (TSC1). Identifiers: Orphanet 805, MedGen C1854465, MONDO:0008612, OMIM 191100.
Hereditary cancer-predisposing syndrome. Also called: Tumor predisposition; Hereditary Cancer Syndrome; Hereditary neoplastic syndrome; Neoplastic Syndromes, Hereditary. Identifiers: Orphanet 140162, MedGen C0027672, MeSH D009386, MONDO:0015356.

Allele frequency attached by ClinVar (database versions not stated): gnomAD exomes below 0.00001.
gnomAD v4.1: 1 of 1,614,130 alleles (0.000062%); highest among the groups gnomAD compares: Admixed American, 0.0017%; no homozygotes.

Submissions (2):

Ambry Genetics
Classification: Uncertain significance for Hereditary cancer-predisposing syndrome. Last evaluated: 2026-07-23. Review status: criteria provided, single submitter. Criteria: Ambry Variant Classification Scheme 2023. Collection method: clinical testing. Allele origin: germline.
Comment: The p.S871L variant (also known as c.2612C>T), located in coding exon 18 of the TSC1 gene, results from a C to T substitution at nucleotide position 2612. The serine at codon 871 is replaced by leucine, an amino acid with dissimilar properties. This amino acid position is conserved. In addition, this alteration is predicted to be tolerated by in silico analysis. Based on the available evidence, the clinical significance of this variant remains unclear.

Labcorp Genetics (formerly Invitae), Labcorp
Classification: Uncertain significance for Tuberous sclerosis 1. Last evaluated: 2020-10-08. Review status: criteria provided, single submitter. Criteria: Invitae Variant Classification Sherloc (09022015). Collection method: clinical testing. Allele origin: germline.
Comment: This sequence change replaces serine with leucine at codon 871 of the TSC1 protein (p.Ser871Leu). The serine residue is weakly conserved and there is a large physicochemical difference between serine and leucine. This variant is not present in population databases (ExAC no frequency). This variant has not been reported in the literature in individuals with TSC1-related conditions. Algorithms developed to predict the effect of missense changes on protein structure and function (SIFT, PolyPhen-2, Align-GVGD) all suggest that this variant is likely to be tolerated, but these predictions have not been confirmed by published functional studies and their clinical significance is uncertain. In summary, the available evidence is currently insufficient to determine the role of this variant in disease. Therefore, it has been classified as a Variant of Uncertain Significance.